The following is an entry in ClinVar:

NM_020987.5(ANK3):c.4263A>C (p.Thr1421=)

Gene: ANK3 (ankyrin 3; minus strand). Cytogenetic location: 10q21.2.
Variant type: single nucleotide variant.
Coding change: c.4263A>C on transcript NM_020987.5 (MANE Select); coding-DNA position 4263, A replaced by C.
Protein change: p.Thr1421=; no amino-acid change (threonine 1421 retained).
Molecular consequence: synonymous variant.
Genome position (GRCh38, 1-based): chr10:60,082,675, T>G on the plus strand (A>C on the coding strand, the complement: ANK3 is on the minus strand). VCF-style: chr10-60082675-T-G. GRCh37 (hg19) VCF-style: chr10-61842433-T-G.
Other names: c.1665A>C, p.Thr555= (NM_001149.4); c.4245A>C, p.Thr1415= (NM_001204403.2); c.4266A>C, p.Thr1422= (NM_001204404.2); c.4263A>C, p.Thr1421= (NM_001320874.2).
Identifiers: ClinVar variation 3039290 (VCV003039290.2), dbSNP rs755663044, ClinGen allele CA5512269.

ClinVar aggregate classification (germline): Likely benign (0 of 4 stars; one submission).

Conditions:
ANK3-related disorder. Also called: ANK3-related condition.

Allele frequency attached by ClinVar (database versions not stated): gnomAD exomes 0.00001; TOPMed 0.00003; ExAC 0.00005.
gnomAD v4.1: 11 of 1,614,020 alleles (0.00068%); highest among the groups gnomAD compares: East Asian, 0.018%; no homozygotes.

Submission:

PreventionGenetics, part of Exact Sciences
Classification: Likely benign for ANK3-related condition. Last evaluated: 2019-05-23. Review status: no assertion criteria provided. Collection method: clinical testing. Allele origin: germline.
Comment: This variant is classified as likely benign based on ACMG/AMP sequence variant interpretation guidelines (Richards et al. 2015 PMID: 25741868, with internal and published modifications).